The following is an entry in ClinVar:

NM_001347721.2(DYRK1A):c.1691C>T (p.Ala564Val)

Gene: DYRK1A (dual specificity tyrosine phosphorylation regulated kinase 1A; plus strand). Cytogenetic location: 21q22.13.
Variant type: single nucleotide variant.
Coding change: c.1691C>T on transcript NM_001347721.2 (MANE Select); coding-DNA position 1691, C replaced by T.
Protein change: p.Ala564Val; replaces alanine 564 with valine.
Molecular consequence: missense variant. On other transcripts: 3 prime UTR variant (2).
Genome position (GRCh38, 1-based): chr21:37,511,957, C>T. VCF-style: chr21-37511957-C-T. GRCh37 (hg19) VCF-style: chr21-38884260-C-T.
Other names: c.1691C>T, p.Ala564Val (NM_001347722.2, NM_130436.2); c.1604C>T, p.Ala535Val (NM_001347723.2); c.1718C>T, p.Ala573Val (NM_001396.5); c.*94C>T (NM_101395.2); c.*3C>T (NM_130438.2); short protein forms A535V, A564V, A573V.
Identifiers: ClinVar variation 1302306 (VCV001302306.2), dbSNP rs2148662056, ClinGen allele CA409939373.
Genomic context (GRCh38, chr21:37,511,957, plus strand): 5'-ATCTGTTCTTTCAGGTGCGTCAGCAATTTCCTGCTCCTCTTGGTTGGTCAGGCACTGAAG[C>T]TCCTACACAGGTCACTGTTGAAACTCATCCTGTTCAAGAAACAACCTTTCATGTAGCCCC-3'
Protein context (NP_001334650.1, residues 554-574): PAPLGWSGTE[Ala564Val]PTQVTVETHP

ClinVar aggregate classification (germline): Uncertain significance (1 of 4 stars; one submission).

Submission:

GeneDx
Classification: Uncertain significance. Last evaluated: 2019-06-10. Review status: criteria provided, single submitter. Criteria: GeneDx Variant Classification Process June 2021. Collection method: clinical testing. Allele origin: germline. Affected: yes.
Comment: Not observed in large population cohorts (Lek et al., 2016); In silico analysis, which includes protein predictors and evolutionary conservation, supports that this variant does not alter protein structure/function; Has not been previously published as pathogenic or benign to our knowledge